The following is an entry in ClinVar:

NM_003660.4(PPFIA3):c.1372G>A (p.Glu458Lys)

Gene: PPFIA3 (PPFI scaffold protein A3; plus strand). Cytogenetic location: 19q13.33.
Variant type: single nucleotide variant.
Coding change: c.1372G>A on transcript NM_003660.4 (MANE Select); coding-DNA position 1372, G replaced by A.
Protein change: p.Glu458Lys; replaces glutamic acid 458 with lysine.
Molecular consequence: missense variant. On other transcripts: non-coding transcript variant (1).
Genome position (GRCh38, 1-based): chr19:49,134,160, G>A. VCF-style: chr19-49134160-G-A. GRCh37 (hg19) VCF-style: chr19-49637417-G-A.
Other names: short protein forms E458K.
Identifiers: ClinVar variation 5009181 (VCV005009181.1).
Genomic context (GRCh38, chr19:49,134,160, plus strand): 5'-CTGAGCGAGTCCAACGAGCGCTTACAGCTTCACCTCAAGGAGCGCATGGGGGCGCTGGAG[G>A]AGAAGGTGCGCCCCCCATACAGGACTGCGGGACGCGGAATTCCGGGACTACCTCTTGCTG-3'
Protein context (NP_003651.1, residues 448-468): HLKERMGALE[Glu458Lys]KNSLSEEIAN

ClinVar aggregate classification (germline): Uncertain significance (1 of 4 stars; one submission).

Submission:

GeneDx
Classification: Uncertain significance. Last evaluated: 2026-03-14. Review status: criteria provided, single submitter. Criteria: GeneDx Variant Classification Process June 2021. Collection method: clinical testing. Allele origin: germline.
Comment: Not observed at significant frequency in large population cohorts (gnomAD); In silico analysis supports that this missense variant has a deleterious effect on protein structure/function; Has not been previously published as pathogenic or benign to our knowledge